The following is an entry in ClinVar:

NM_006648.4(WNK2):c.4369A>C (p.Thr1457Pro)

Gene: WNK2 (WNK lysine deficient protein kinase 2; plus strand). Cytogenetic location: 9q22.31.
Variant type: single nucleotide variant.
Coding change: c.4369A>C on transcript NM_006648.4 (MANE Select); coding-DNA position 4369, A replaced by C.
Protein change: p.Thr1457Pro; replaces threonine 1457 with proline.
Molecular consequence: missense variant.
Genome position (GRCh38, 1-based): chr9:93,289,123, A>C. VCF-style: chr9-93289123-A-C. GRCh37 (hg19) VCF-style: chr9-96051405-A-C.
Other names: c.4480A>C, p.Thr1494Pro (NM_001282394.3); short protein forms T1457P, T1494P.
Identifiers: ClinVar variation 4605347 (VCV004605347.1).
Genomic context (GRCh38, chr9:93,289,123, plus strand): 5'-GCGGAGACTCACGAGGCCCCGCTTGCTGTGCAGCCCCTCGTGGTGGGCCTAGCACCTTGC[A>C]CTCCAGCTCCAGAGGCTGCCTCAACCAGGGACGCCAGTGCCCCAAGGGAGCCCCTGCCAC-3'
Protein context (NP_006639.3, residues 1447-1467): QPLVVGLAPC[Thr1457Pro]PAPEAASTRD

ClinVar aggregate classification (germline): Uncertain significance (1 of 4 stars; one submission).

Submission:

Ambry Genetics
Classification: Uncertain significance. Last evaluated: 2025-11-08. Review status: criteria provided, single submitter. Criteria: Ambry Variant Classification Scheme 2023. Collection method: clinical testing. Allele origin: germline.
Comment: The p.T1457P variant (also known as c.4369A>C), located in coding exon 19 of the WNK2 gene, results from an A to C substitution at nucleotide position 4369. The threonine at codon 1457 is replaced by proline, an amino acid with highly similar properties. This amino acid position is conserved. In addition, this alteration is predicted to be tolerated by in silico analysis. Based on the available evidence, the clinical significance of this variant remains unclear.